The following is an entry in ClinVar:

NM_020163.3(SEMA3G):c.1175G>A (p.Arg392Gln)

Gene: SEMA3G (semaphorin 3G; minus strand). Cytogenetic location: 3p21.1.
Variant type: single nucleotide variant.
Coding change: c.1175G>A on transcript NM_020163.3 (MANE Select); coding-DNA position 1175, G replaced by A.
Protein change: p.Arg392Gln; replaces arginine 392 with glutamine.
Molecular consequence: missense variant.
Genome position (GRCh38, 1-based): chr3:52,440,067, C>T on the plus strand (G>A on the coding strand, the complement: SEMA3G is on the minus strand). VCF-style: chr3-52440067-C-T. GRCh37 (hg19) VCF-style: chr3-52474083-C-T.
Other names: short protein forms R392Q.
Identifiers: ClinVar variation 2634806 (VCV002634806.2), dbSNP rs772490520, ClinGen allele CA2438031.
Genomic context (GRCh38, chr3:52,440,067, plus strand): 5'-GGGTGGGCTCGGGCAAACTGCAGCACCTCATCTGGGTAGTCCTTGGTGCTGCCAAAAGGC[C>T]GTCCTGGCTGTGCGGTCATCTTGCTGGGGCACTGTGGGCAGCAGGGAAGGGAGTGCCTGA-3'
Protein context (NP_064548.1, residues 382-402): CPSKMTAQPG[Arg392Gln]PFGSTKDYPD

ClinVar aggregate classification (germline): Uncertain significance (0 of 4 stars; one submission).

Conditions:
SEMA3G-related disorder. Also called: SEMA3G-related condition.

Allele frequency attached by ClinVar (database versions not stated): gnomAD 0.00001; gnomAD exomes 0.00001; TOPMed 0.00003; ExAC 0.00005.

Submission:

PreventionGenetics, part of Exact Sciences
Classification: Uncertain significance for SEMA3G-related condition. Last evaluated: 2024-09-11. Review status: no assertion criteria provided. Collection method: clinical testing. Allele origin: germline.
Comment: The SEMA3G c.1175G>A variant is predicted to result in the amino acid substitution p.Arg392Gln. To our knowledge, this variant has not been reported in the literature. This variant is reported in 0.0067% of alleles in individuals of South Asian descent in gnomAD. At this time, the clinical significance of this variant is uncertain due to the absence of conclusive functional and genetic evidence.